The following is an entry in ClinVar:

NM_182641.4(BPTF):c.608C>T (p.Thr203Ile)

Genes: BPTF (bromodomain PHD finger transcription factor; plus strand), LOC130061496 (ATAC-STARR-seq lymphoblastoid active region 12632; plus strand). Cytogenetic location: 17q24.2.
Variant type: single nucleotide variant.
Coding change: c.608C>T on transcript NM_182641.4 (MANE Select); coding-DNA position 608, C replaced by T.
Protein change: p.Thr203Ile; replaces threonine 203 with isoleucine.
Molecular consequence: missense variant.
Genome position (GRCh38, 1-based): chr17:67,826,332, C>T. VCF-style: chr17-67826332-C-T. GRCh37 (hg19) VCF-style: chr17-65822448-C-T.
Other names: c.608C>T, p.Thr203Ile (NM_004459.7); short protein forms T203I.
Identifiers: ClinVar variation 2122109 (VCV002122109.2), dbSNP rs2056026036, ClinGen allele CA400716376.

ClinVar aggregate classification (germline): Uncertain significance (1 of 4 stars; one submission).

Allele frequency attached by ClinVar (database versions not stated): TOPMed below 0.00001.

Submission:

Labcorp Genetics (formerly Invitae), Labcorp
Classification: Uncertain significance. Last evaluated: 2022-05-07. Review status: criteria provided, single submitter. Criteria: Invitae Variant Classification Sherloc (09022015). Collection method: clinical testing. Allele origin: germline.
Comment: This sequence change replaces threonine, which is neutral and polar, with isoleucine, which is neutral and non-polar, at codon 203 of the BPTF protein (p.Thr203Ile). This variant is not present in population databases (gnomAD no frequency). This variant has not been reported in the literature in individuals affected with BPTF-related conditions. Algorithms developed to predict the effect of missense changes on protein structure and function are either unavailable or do not agree on the potential impact of this missense change (SIFT: "Tolerated"; PolyPhen-2: "Possibly Damaging"; Align-GVGD: "Class C0"). In summary, the available evidence is currently insufficient to determine the role of this variant in disease. Therefore, it has been classified as a Variant of Uncertain Significance.